The following is an entry in ClinVar:

ClinVar aggregate classification (germline): Conflicting classifications of pathogenicity. Review status: criteria provided, conflicting classifications (1 of 4 stars). 7 submissions from 5 submitters: Likely pathogenic (1); Uncertain significance (6). Last evaluated 2024-05-03.

Conditions:
Retinitis pigmentosa 12 (RP12). Also called: RP WITH OR WITHOUT PRESERVED PARAARTERIOLE RETINAL PIGMENT EPITHELIUM; RETINITIS PIGMENTOSA WITH OR WITHOUT PARAARTERIOLAR PRESERVATION OF RETINAL PIGMENT EPITHELIUM; RP WITH OR WITHOUT PPRPE. Identifiers: Orphanet 791, MedGen C1838647, MONDO:0010818, OMIM 600105.
Pigmented paravenous retinochoroidal atrophy. Identifiers: Orphanet 251295, MedGen C1868310, MONDO:0008246, OMIM 172870.
Leber congenital amaurosis 8 (LCA8). Identifiers: Orphanet 65, MedGen C3151202, MONDO:0013453, OMIM 613835.
Leber congenital amaurosis 1 (LCA1). Also called: Congenital absence of the rods and cones; Leber's congenital tapetoretinal degeneration; Leber's congenital tapetoretinal dysplasia; AMAUROSIS CONGENITA OF LEBER I; RETINAL BLINDNESS, CONGENITAL. Identifiers: Orphanet 65, MedGen C2931258, MONDO:0008764, OMIM 204000.

gnomAD v4.1: 1 of 1,614,130 alleles (0.000062%); no homozygotes.

Submissions (7):

Fulgent Genetics
Classification: Likely pathogenic for Pigmented paravenous retinochoroidal atrophy; Retinitis pigmentosa 12; Leber congenital amaurosis 8. Last evaluated: 2024-05-03. Review status: criteria provided, single submitter. Criteria: ACMG Guidelines, 2015. Collection method: clinical testing. Allele origin: germline.

Women's Health and Genetics/Laboratory Corporation of America, LabCorp
Classification: Uncertain significance. Last evaluated: 2024-04-30. Review status: criteria provided, single submitter. Criteria: LabCorp Variant Classification Summary - May 2015. Collection method: clinical testing. Allele origin: germline.
Comment: Variant summary: CRB1 c.1313G>A (p.Cys438Tyr) results in a non-conservative amino acid change in the encoded protein sequence. Five of five in-silico tools predict a damaging effect of the variant on protein function. The variant was absent in 251412 control chromosomes. c.1313G>A has been reported in the literature in individuals affected with Retinal Dystrophy and related conditions (Di Lorio_2017, Simonelli_2017, Karali_2022). These data indicate that the variant may be associated with disease. To our knowledge, no experimental evidence demonstrating an impact on protein function has been reported. The following publications have been ascertained in the context of this evaluation (PMID: 29053603, 36460718, 17724218).ClinVar contains an entry for this variant (Variation ID: 801595). Based on the evidence outlined above, the variant was classified as VUS-possibly pathogenic.

Genome-Nilou Lab
Classification: Uncertain significance for Leber congenital amaurosis 8. Last evaluated: 2023-04-11. Review status: criteria provided, single submitter. Criteria: ACMG Guidelines, 2015. Collection method: clinical testing. Allele origin: germline. Affected: no.

Genome-Nilou Lab
Classification: Uncertain significance for Pigmented paravenous retinochoroidal atrophy. Last evaluated: 2023-04-11. Review status: criteria provided, single submitter. Criteria: ACMG Guidelines, 2015. Collection method: clinical testing. Allele origin: germline. Affected: no.

Genome-Nilou Lab
Classification: Uncertain significance for Retinitis pigmentosa 12. Last evaluated: 2023-04-11. Review status: criteria provided, single submitter. Criteria: ACMG Guidelines, 2015. Collection method: clinical testing. Allele origin: germline. Affected: no.

Mendelics
Classification: Uncertain significance for Leber congenital amaurosis 1. Last evaluated: 2019-05-28. Review status: criteria provided, single submitter. Criteria: Mendelics Assertion Criteria 2017. Collection method: clinical testing. Allele origin: unknown.

GeneDx
Classification: Uncertain significance. Last evaluated: 2018-12-14. Review status: criteria provided, single submitter. Criteria: GeneDx Variant Classification Process June 2021. Collection method: clinical testing. Allele origin: germline. Affected: yes.
Comment: Not observed in large population cohorts (Lek et al., 2016); In silico analysis, which includes protein predictors and evolutionary conservation, supports a deleterious effect; This variant is associated with the following publications: (PMID: 29053603, 17724218)

Literature cited by the submitters: PubMed 29053603 (cited by Women's Health and Genetics/Laboratory Corporation of America, LabCorp); PubMed 36460718 (cited by Women's Health and Genetics/Laboratory Corporation of America, LabCorp); PubMed 17724218 (cited by Women's Health and Genetics/Laboratory Corporation of America, LabCorp).

NM_201253.3(CRB1):c.1313G>A (p.Cys438Tyr)

Gene: CRB1 (crumbs cell polarity complex component 1; plus strand). Cytogenetic location: 1q31.3.
Variant type: single nucleotide variant.
Coding change: c.1313G>A on transcript NM_201253.3 (MANE Select); coding-DNA position 1313, G replaced by A.
Protein change: p.Cys438Tyr; replaces cysteine 438 with tyrosine.
Molecular consequence: missense variant. On other transcripts: non-coding transcript variant (2).
Genome position (GRCh38, 1-based): chr1:197,421,141, G>A. VCF-style: chr1-197421141-G-A. GRCh37 (hg19) VCF-style: chr1-197390271-G-A.
Other names: c.977G>A, p.Cys326Tyr (NM_001193640.2); c.1106G>A, p.Cys369Tyr (NM_001257965.2); c.1313G>A, p.Cys438Tyr (NM_001257966.2); short protein forms C326Y, C438Y, C369Y.
Identifiers: ClinVar variation 801595 (VCV000801595.6), dbSNP rs1571522690, ClinGen allele CA344030332.